The following is an entry in ClinVar:

NM_000093.5(COL5A1):c.3114+1G>A

Gene: COL5A1 (collagen type V alpha 1 chain; plus strand). Cytogenetic location: 9q34.3.
Variant type: single nucleotide variant.
Coding change: c.3114+1G>A on transcript NM_000093.5 (MANE Select); the canonical splice donor site of the intron after coding-DNA position 3114, G replaced by A.
Molecular consequence: splice donor variant.
Genome position (GRCh38, 1-based): chr9:134,802,996, G>A. VCF-style: chr9-134802996-G-A. GRCh37 (hg19) VCF-style: chr9-137694842-G-A.
Other names: c.3114+1G>A (NM_001278074.1).
Identifiers: ClinVar variation 949894 (VCV000949894.4), dbSNP rs1838169083, ClinGen allele CA375448519.

ClinVar aggregate classification (germline): Likely pathogenic. Review status: criteria provided, multiple submitters, no conflicts (2 of 4 stars). 2 submissions from 2 submitters: Likely pathogenic (2). Last evaluated 2026-09-04.

Conditions:
Ehlers-Danlos syndrome, classic type (cEDS). Identifiers: Orphanet 287, MedGen C4225429, MONDO:0007522.
COL5A1-related disorder. Also called: COL5A1-related condition.

Submissions (2):

PreventionGenetics, part of Exact Sciences
Classification: Likely pathogenic for COL5A1-related condition. Last evaluated: 2026-09-04. Review status: criteria provided, single submitter. Criteria: ACMG Guidelines, 2015. Collection method: clinical testing. Allele origin: germline.
Comment: The COL5A1 c.3114+1G>A variant is predicted to disrupt the GT donor site and interfere with normal splicing. To our knowledge, this variant has not been reported in the literature or in a large population database (gnomAD), indicating this variant is rare. Variants that disrupt the consensus splice donor site in COL5A1 are expected to be pathogenic. This variant is interpreted as likely pathogenic.

Labcorp Genetics (formerly Invitae), Labcorp
Classification: Likely pathogenic for Ehlers-Danlos syndrome, type 1. Last evaluated: 2019-04-18. Review status: criteria provided, single submitter. Criteria: Invitae Variant Classification Sherloc (09022015). Collection method: clinical testing. Allele origin: germline.
Comment: This sequence change affects a donor splice site in intron 39 of the COL5A1 gene. It is expected to disrupt RNA splicing and likely results in an absent or disrupted protein product. This variant is not present in population databases (ExAC no frequency). This variant has not been reported in the literature in individuals with COL5A1-related conditions. Algorithms developed to predict the effect of sequence changes on RNA splicing suggest that this variant may disrupt the consensus splice site, but this prediction has not been confirmed by published transcriptional studies. Donor and acceptor splice site variants typically lead to a loss of protein function (PMID: 16199547), and loss-of-function variants in COL5A1 are known to be pathogenic (PMID: 23587214). In summary, the currently available evidence indicates that the variant is pathogenic, but additional data are needed to prove that conclusively. Therefore, this variant has been classified as Likely Pathogenic.

Literature cited by the submitters: PubMed 23587214 (cited by Labcorp Genetics (formerly Invitae), Labcorp).